The following is an entry in ClinVar:

ClinVar aggregate classification (germline): Uncertain significance. Review status: criteria provided, multiple submitters, no conflicts (2 of 4 stars). 2 submissions from 2 submitters: Uncertain significance (2). Last evaluated 2021-12-27.

Conditions:
Cardiovascular phenotype. Identifiers: MedGen CN230736.
RASopathy. Also called: rasopathies; Noonan spectrum disorder. Identifiers: Orphanet 536391, MedGen C5555857, MONDO:0021060.

Submissions (2):

Labcorp Genetics (formerly Invitae), Labcorp
Classification: Uncertain significance for RASopathy. Last evaluated: 2021-12-27. Review status: criteria provided, single submitter. Criteria: Invitae Variant Classification Sherloc (09022015). Collection method: clinical testing. Allele origin: germline.
Comment: In summary, the available evidence is currently insufficient to determine the role of this variant in disease. Therefore, it has been classified as a Variant of Uncertain Significance. Advanced modeling of protein sequence and biophysical properties (such as structural, functional, and spatial information, amino acid conservation, physicochemical variation, residue mobility, and thermodynamic stability) performed at Invitae indicates that this missense variant is not expected to disrupt RAF1 protein function. ClinVar contains an entry for this variant (Variation ID: 639744). This variant has not been reported in the literature in individuals affected with RAF1-related conditions. This variant is not present in population databases (gnomAD no frequency). This sequence change replaces valine, which is neutral and non-polar, with isoleucine, which is neutral and non-polar, at codon 33 of the RAF1 protein (p.Val33Ile).

Ambry Genetics
Classification: Uncertain significance for Cardiovascular phenotype. Last evaluated: 2020-08-10. Review status: criteria provided, single submitter. Criteria: Ambry Variant Classification Scheme 2023. Collection method: clinical testing. Allele origin: germline.
Comment: The p.V33I variant (also known as c.97G>A), located in coding exon 1 of the RAF1 gene, results from a G to A substitution at nucleotide position 97. The valine at codon 33 is replaced by isoleucine, an amino acid with highly similar properties. This amino acid position is well conserved in available vertebrate species. In addition, this alteration is predicted to be tolerated by in silico analysis. Since supporting evidence is limited at this time, the clinical significance of this alteration remains unclear.

NM_002880.4(RAF1):c.97G>A (p.Val33Ile)

Gene: RAF1 (Raf-1 proto-oncogene, serine/threonine kinase; minus strand). Cytogenetic location: 3p25.2.
Variant type: single nucleotide variant.
Coding change: c.97G>A on transcript NM_002880.4 (MANE Select); coding-DNA position 97, G replaced by A.
Protein change: p.Val33Ile; replaces valine 33 with isoleucine.
Molecular consequence: missense variant. On other transcripts: 5 prime UTR variant (4), non-coding transcript variant (3).
Genome position (GRCh38, 1-based): chr3:12,618,625, C>T on the plus strand (G>A on the coding strand, the complement: RAF1 is on the minus strand). VCF-style: chr3-12618625-C-T. GRCh37 (hg19) VCF-style: chr3-12660124-C-T.
Other names: c.97G>A, p.Val33Ile (NM_001354689.3, NM_001354690.3, NM_001354693.3); c.-34G>A (NM_001354691.3, NM_001354692.3, NM_001354694.3 and 1 more transcripts); short protein forms V33I.
Identifiers: ClinVar variation 639744 (VCV000639744.10), dbSNP rs1575600440, ClinGen allele CA351485080.